The following is an entry in ClinVar:

NM_001276345.2(TNNT2):c.580T>C (p.Phe194Leu)

Gene: TNNT2 (troponin T2, cardiac type; minus strand). Cytogenetic location: 1q32.1.
Variant type: single nucleotide variant.
Coding change: c.580T>C on transcript NM_001276345.2 (MANE Select); coding-DNA position 580, T replaced by C.
Protein change: p.Phe194Leu; replaces phenylalanine 194 with leucine.
Molecular consequence: missense variant.
Genome position (GRCh38, 1-based): chr1:201,363,316, A>G on the plus strand (T>C on the coding strand, the complement: TNNT2 is on the minus strand). VCF-style: chr1-201363316-A-G. GRCh37 (hg19) VCF-style: chr1-201332444-A-G.
Other names: c.580T>C, p.Phe194Leu (NM_000364.4, NM_001406723.1); c.550T>C, p.Phe184Leu (NM_001001430.3, NM_001001431.3, NM_001276347.2 and 3 more transcripts); c.535T>C, p.Phe179Leu (NM_001001432.3, NM_001406728.1); c.460T>C, p.Phe154Leu (NM_001276346.2); c.547T>C, p.Phe183Leu (NM_001406725.1); short protein forms F184L, F154L, F179L, F194L, F183L.
Identifiers: ClinVar variation 1748029 (VCV001748029.2), dbSNP rs2526974411, ClinGen allele CA344204304.
Genomic context (GRCh38, chr1:201,363,316, plus strand): 5'-TACTAGGATCTCCTGGCAACCCCTGCTGCTCCCTACCTACCTTCTGGATGTAACCCCCAA[A>G]ATGCATCATGTTGGACAAAGCCTTCTTCTTCCGGGCCTCATCCTCAGCCTTCCTCCTGTT-3'
Protein context (NP_001263274.1, residues 184-204): KKKALSNMMH[Phe194Leu]GGYIQKQAQT

ClinVar aggregate classification (germline): Uncertain significance (1 of 4 stars; one submission).

Conditions:
Cardiovascular phenotype. Identifiers: MedGen CN230736.

Submission:

Ambry Genetics
Classification: Uncertain significance for Cardiovascular phenotype. Last evaluated: 2022-10-17. Review status: criteria provided, single submitter. Criteria: Ambry Variant Classification Scheme 2023. Collection method: clinical testing. Allele origin: germline.
Comment: The p.F184L variant (also known as c.550T>C), located in coding exon 10 of the TNNT2 gene, results from a T to C substitution at nucleotide position 550. The phenylalanine at codon 184 is replaced by leucine, an amino acid with highly similar properties. This amino acid position is conserved. In addition, the in silico prediction for this alteration is inconclusive. Since supporting evidence is limited at this time, the clinical significance of this alteration remains unclear.